The following is an entry in ClinVar:

ClinVar aggregate classification (germline): Uncertain significance (1 of 4 stars; one submission).

Submission:

Labcorp Genetics (formerly Invitae), Labcorp
Classification: Uncertain significance. Last evaluated: 2021-10-09. Review status: criteria provided, single submitter. Criteria: Invitae Variant Classification Sherloc (09022015). Collection method: clinical testing. Allele origin: germline.
Comment: This sequence change replaces glycine with arginine at codon 197 of the CPOX protein (p.Gly197Arg). The glycine residue is highly conserved and there is a moderate physicochemical difference between glycine and arginine. In summary, the available evidence is currently insufficient to determine the role of this variant in disease. Therefore, it has been classified as a Variant of Uncertain Significance. Algorithms developed to predict the effect of missense changes on protein structure and function (SIFT, PolyPhen-2, Align-GVGD) all suggest that this variant is likely to be disruptive. This variant has not been reported in the literature in individuals affected with CPOX-related conditions. This variant is not present in population databases (ExAC no frequency).

NM_000097.7(CPOX):c.589G>C (p.Gly197Arg)

Gene: CPOX (coproporphyrinogen oxidase; minus strand). Cytogenetic location: 3q11.2.
Variant type: single nucleotide variant.
Coding change: c.589G>C on transcript NM_000097.7 (MANE Select); coding-DNA position 589, G replaced by C.
Protein change: p.Gly197Arg; replaces glycine 197 with arginine.
Molecular consequence: missense variant.
Genome position (GRCh38, 1-based): chr3:98,591,123, C>G on the plus strand (G>C on the coding strand, the complement: CPOX is on the minus strand). VCF-style: chr3-98591123-C-G. GRCh37 (hg19) VCF-style: chr3-98309967-C-G.
Other names: short protein forms G197R.
Identifiers: ClinVar variation 1485318 (VCV001485318.6), dbSNP rs2107131573, ClinGen allele CA353646132.
Genomic context (GRCh38, chr3:98,591,123, plus strand): 5'-CCTCTGAAAGATTTCCATGAACAACAGAAATGCTCACCCCAGCCTTTTCGAAAACACACC[C>G]ATCTTGAAGTACACAGCTGATGCCGCCACCTCCTGTGTATAGAAATGTAAAAAAGGAGAG-3'
Protein context (NP_000088.3, residues 187-207): GGGISCVLQD[Gly197Arg]CVFEKAGVSI